The following is an entry in ClinVar:

NM_015338.6(ASXL1):c.2110G>T (p.Gly704Trp)

Gene: ASXL1 (ASXL transcriptional regulator 1; plus strand). Cytogenetic location: 20q11.21.
Variant type: single nucleotide variant.
Coding change: c.2110G>T on transcript NM_015338.6 (MANE Select); coding-DNA position 2110, G replaced by T.
Protein change: p.Gly704Trp; replaces glycine 704 with tryptophan.
Molecular consequence: missense variant.
Genome position (GRCh38, 1-based): chr20:32,434,822, G>T. VCF-style: chr20-32434822-G-T. GRCh37 (hg19) VCF-style: chr20-31022625-G-T.
Other names: c.1927G>T, p.Gly643Trp (NM_001363734.1); short protein forms G643W, G704W.
Identifiers: ClinVar variation 1333056 (VCV001333056.28), dbSNP rs151317625, ClinGen allele CA9808543.
Genomic context (GRCh38, chr20:32,434,822, plus strand): 5'-CCTGGAAAGTGTACGTCAGATCTACAGCGAACACAACTACTGCCGCCTTATCCTCTAAAT[G>T]GGGAGCATACCCAGGCCGGAACTGCCATGTCCAGAGCTAGGAGAGAGGACCTGCCTTCTC-3'
Protein context (NP_056153.2, residues 694-714): TQLLPPYPLN[Gly704Trp]EHTQAGTAMS

ClinVar aggregate classification (germline): Conflicting classifications of pathogenicity. Review status: criteria provided, conflicting classifications (1 of 4 stars). 3 submissions from 3 submitters: Uncertain significance (1); Likely benign (2). Last evaluated 2026-03-01.

gnomAD v4.1: 65 of 1,613,986 alleles (0.004%); highest among the groups gnomAD compares: Non-Finnish European, 0.005%; no homozygotes.

Submissions (3):

CeGaT Center for Human Genetics Tuebingen
Classification: Likely benign. Last evaluated: 2026-03-01. Review status: criteria provided, single submitter. Criteria: CeGaT Center For Human Genetics Tuebingen Variant Classification Criteria Version 2. Collection method: clinical testing. Allele origin: germline. Affected: yes. Observed: 3 variant alleles.
Comment: ASXL1: PM5, BP4, BS2

Labcorp Genetics (formerly Invitae), Labcorp
Classification: Uncertain significance. Last evaluated: 2025-04-28. Review status: criteria provided, single submitter. Criteria: Invitae Variant Classification Sherloc (09022015). Collection method: clinical testing. Allele origin: germline.
Comment: This sequence change replaces glycine, which is neutral and non-polar, with tryptophan, which is neutral and slightly polar, at codon 704 of the ASXL1 protein (p.Gly704Trp). This variant is present in population databases (rs151317625, gnomAD 0.007%). This variant has not been reported in the literature in individuals affected with ASXL1-related conditions. ClinVar contains an entry for this variant (Variation ID: 1333056). An algorithm developed to predict the effect of missense changes on protein structure and function (PolyPhen-2) suggests that this variant is likely to be disruptive. In summary, the available evidence is currently insufficient to determine the role of this variant in disease. Therefore, it has been classified as a Variant of Uncertain Significance.

GeneDx
Classification: Likely benign. Last evaluated: 2022-01-11. Review status: criteria provided, single submitter. Criteria: GeneDx Variant Classification Process June 2021. Collection method: clinical testing. Allele origin: germline. Affected: yes.